The following is an entry in ClinVar:

ClinVar aggregate classification (germline): Uncertain significance (1 of 4 stars; one submission).

gnomAD v4.1: 5 of 1,211,439 alleles (0.00041%); highest among the groups gnomAD compares: South Asian, 0.0018%; no homozygotes.

Submission:

Ambry Genetics
Classification: Uncertain significance. Last evaluated: 2026-03-23. Review status: criteria provided, single submitter. Criteria: Ambry Variant Classification Scheme 2023. Collection method: clinical testing. Allele origin: germline.
Comment: The c.596A>G (p.H199R) alteration is located in exon 2 (coding exon 2) of the RNF128 gene. This alteration results from a A to G substitution at nucleotide position 596, causing the histidine (H) at amino acid position 199 to be replaced by an arginine (R). Based on data from gnomAD, the G allele has an overall frequency of <0.001% (1/183378) total alleles studied. The highest observed frequency was 0.005% (1/19063) of South Asian alleles. Based on insufficient or conflicting evidence, the clinical significance of this alteration remains unclear.

NM_194463.2(RNF128):c.596A>G (p.His199Arg)

Gene: RNF128 (ring finger protein 128; plus strand). Cytogenetic location: Xq22.3.
Variant type: single nucleotide variant.
Coding change: c.596A>G on transcript NM_194463.2 (MANE Select); coding-DNA position 596, A replaced by G.
Protein change: p.His199Arg; replaces histidine 199 with arginine.
Molecular consequence: missense variant.
Genome position (GRCh38, 1-based): chrX:106,773,024, A>G. VCF-style: chrX-106773024-A-G. GRCh37 (hg19) VCF-style: chrX-106016254-A-G.
Other names: c.518A>G, p.His173Arg (NM_024539.3); short protein forms H173R, H199R.
Identifiers: ClinVar variation 4863367 (VCV004863367.1).